The following is an entry in ClinVar:

NM_001042492.3(NF1):c.5733del (p.Ser1912fs)

Gene: NF1 (neurofibromin 1; plus strand). Cytogenetic location: 17q11.2.
Variant type: Deletion.
Coding change: c.5733del on transcript NM_001042492.3 (MANE Select); coding-DNA position 5733, one base deleted (T; older notation c.5733delT).
Protein change: p.Ser1912fs; shifts the reading frame from serine 1912.
Molecular consequence: frameshift variant.
Genome position (GRCh38, 1-based): chr17:31,330,419, T deleted; the last of 2 consecutive T bases (chr17:31,330,418-31,330,419); deleting either gives the same sequence. VCF-style (leftmost placement, unchanged base first): chr17-31330417-AT-A. GRCh37 (hg19) VCF-style: chr17-29657435-AT-A.
Other names: c.5670delT, p.Ser1891Valfs (NM_000267.4); short protein forms S1912fs, S1891fs.
Identifiers: ClinVar variation 3723860 (VCV003723860.2).

ClinVar aggregate classification (germline): Pathogenic (1 of 4 stars; one submission).

Conditions:
Neurofibromatosis, type 1 (NF1). Also called: VON RECKLINGHAUSEN DISEASE; NEUROFIBROMATOSIS, TYPE I, SOMATIC; Peripheral type neurofibromatosis; Neurofibromatosis, type I. Identifiers: Orphanet 636, MedGen C0027831, MONDO:0018975, OMIM 162200. Disease mechanism: loss of function.

Submission:

Labcorp Genetics (formerly Invitae), Labcorp
Classification: Pathogenic for Neurofibromatosis, type 1. Last evaluated: 2024-10-27. Review status: criteria provided, single submitter. Criteria: Invitae Variant Classification Sherloc (09022015). Collection method: clinical testing. Allele origin: germline.
Comment: This sequence change creates a premature translational stop signal (p.Ser1891Valfs*13) in the NF1 gene. It is expected to result in an absent or disrupted protein product. Loss-of-function variants in NF1 are known to be pathogenic (PMID: 10712197, 23913538). This variant is not present in population databases (gnomAD no frequency). This variant has not been reported in the literature in individuals affected with NF1-related conditions. Algorithms developed to predict the effect of sequence changes on RNA splicing suggest that this variant may create or strengthen a splice site. For these reasons, this variant has been classified as Pathogenic.

Literature cited by the submitters: PubMed 10712197; PubMed 23913538.